The following is an entry in ClinVar:

NM_004208.4(AIFM1):c.1058T>C (p.Met353Thr)

Genes: AIFM1 (apoptosis inducing factor mitochondria associated 1; minus strand), RAB33A (RAB33A, member RAS oncogene family; plus strand). Cytogenetic location: Xq26.1.
Variant type: single nucleotide variant.
Coding change: c.1058T>C on transcript NM_004208.4 (MANE Select); coding-DNA position 1058, T replaced by C.
Protein change: p.Met353Thr; replaces methionine 353 with threonine.
Molecular consequence: missense variant. On other transcripts: 3 prime UTR variant (1), non-coding transcript variant (1).
Genome position (GRCh38, 1-based): chrX:130,137,095, A>G on the plus strand (T>C on the coding strand, the complement: AIFM1 is on the minus strand). VCF-style: chrX-130137095-A-G. GRCh37 (hg19) VCF-style: chrX-129271070-A-G.
Other names: c.41T>C, p.Met14Thr (NM_001130846.4); c.*286T>C (NM_001130847.4); c.1046T>C, p.Met349Thr (NM_145812.3); short protein forms M14T, M349T, M353T.
Identifiers: ClinVar variation 843858 (VCV000843858.9), dbSNP rs1157071585, ClinGen allele CA414579195.
Genomic context (GRCh38, chrX:130,137,095, plus strand): 5'-TCAAAGGAAATAGAGTGGCAGCATATAGAAACAGTCTCTCTACCTCGTCTGACTTTTTCC[A>G]TGGTCCAGTTGCTGAGGTATTCGGGGAGGATCTTTCCCATATTTCCTTTCTCGGGGAAGA-3'
Protein context (NP_004199.1, residues 343-363): ILPEYLSNWT[Met353Thr]EKVRREGVKV

ClinVar aggregate classification (germline): Uncertain significance (1 of 4 stars; one submission).

Conditions:
Combined oxidative phosphorylation deficiency. Identifiers: MedGen C4540031, MONDO:0000732.
Charcot-Marie-Tooth Neuropathy X. Identifiers: MedGen CN118851.

Allele frequency attached by ClinVar (database versions not stated): TOPMed below 0.00001; gnomAD 0.00002.
gnomAD v4.1: 2 of 1,209,509 alleles (0.00017%); highest among the groups gnomAD compares: African/African-American, 0.0035%; no homozygotes.

Submission:

Labcorp Genetics (formerly Invitae), Labcorp
Classification: Uncertain significance for Charcot-Marie-Tooth Neuropathy X; Combined oxidative phosphorylation deficiency. Last evaluated: 2022-07-12. Review status: criteria provided, single submitter. Criteria: Invitae Variant Classification Sherloc (09022015). Collection method: clinical testing. Allele origin: germline.
Comment: This variant has not been reported in the literature in individuals affected with AIFM1-related conditions. This sequence change replaces methionine, which is neutral and non-polar, with threonine, which is neutral and polar, at codon 353 of the AIFM1 protein (p.Met353Thr). This variant is not present in population databases (gnomAD no frequency). ClinVar contains an entry for this variant (Variation ID: 843858). Advanced modeling of protein sequence and biophysical properties (such as structural, functional, and spatial information, amino acid conservation, physicochemical variation, residue mobility, and thermodynamic stability) performed at Invitae indicates that this missense variant is not expected to disrupt AIFM1 protein function. In summary, the available evidence is currently insufficient to determine the role of this variant in disease. Therefore, it has been classified as a Variant of Uncertain Significance.